The following is an entry in ClinVar:

NM_001042492.3(NF1):c.3752A>G (p.His1251Arg)

Gene: NF1 (neurofibromin 1; plus strand). Cytogenetic location: 17q11.2.
Variant type: single nucleotide variant.
Coding change: c.3752A>G on transcript NM_001042492.3 (MANE Select); coding-DNA position 3752, A replaced by G.
Protein change: p.His1251Arg; replaces histidine 1251 with arginine.
Molecular consequence: missense variant.
Genome position (GRCh38, 1-based): chr17:31,235,654, A>G. VCF-style: chr17-31235654-A-G. GRCh37 (hg19) VCF-style: chr17-29562672-A-G.
Other names: c.3752A>G, p.His1251Arg (NM_000267.4); short protein forms H1251R.
Identifiers: ClinVar variation 570856 (VCV000570856.6), dbSNP rs1567852526, ClinGen allele CA398992469.

ClinVar aggregate classification (germline): Uncertain significance. Review status: criteria provided, multiple submitters, no conflicts (2 of 4 stars). 2 submissions from 2 submitters: Uncertain significance (2). Last evaluated 2025-07-13.

Conditions:
Neurofibromatosis, type 1 (NF1). Also called: Peripheral type neurofibromatosis; VON RECKLINGHAUSEN DISEASE; Neurofibromatosis, type I; NEUROFIBROMATOSIS, TYPE I, SOMATIC. Identifiers: Orphanet 636, MedGen C0027831, MONDO:0018975, OMIM 162200. Disease mechanism: loss of function.
Cardiovascular phenotype. Identifiers: MedGen CN230736.
Hereditary cancer-predisposing syndrome. Also called: Hereditary neoplastic syndrome; Neoplastic Syndromes, Hereditary; Hereditary Cancer Syndrome; Tumor predisposition. Identifiers: Orphanet 140162, MedGen C0027672, MeSH D009386, MONDO:0015356.

Submissions (2):

Labcorp Genetics (formerly Invitae), Labcorp
Classification: Uncertain significance for Neurofibromatosis, type 1. Last evaluated: 2025-07-13. Review status: criteria provided, single submitter. Criteria: Invitae Variant Classification Sherloc (09022015). Collection method: clinical testing. Allele origin: germline.
Comment: This sequence change replaces histidine, which is basic and polar, with arginine, which is basic and polar, at codon 1251 of the NF1 protein (p.His1251Arg). This variant is not present in population databases (gnomAD no frequency). This variant has not been reported in the literature in individuals affected with NF1-related conditions. ClinVar contains an entry for this variant (Variation ID: 570856). Invitae Evidence Modeling of protein sequence and biophysical properties (such as structural, functional, and spatial information, amino acid conservation, physicochemical variation, residue mobility, and thermodynamic stability) indicates that this missense variant is expected to disrupt NF1 protein function with a positive predictive value of 80%. In summary, the available evidence is currently insufficient to determine the role of this variant in disease. Therefore, it has been classified as a Variant of Uncertain Significance.

Ambry Genetics
Classification: Uncertain significance for Cardiovascular phenotype; Hereditary cancer-predisposing syndrome. Last evaluated: 2023-08-30. Review status: criteria provided, single submitter. Criteria: Ambry Variant Classification Scheme 2023. Collection method: clinical testing. Allele origin: germline.
Comment: The p.H1251R variant (also known as c.3752A>G), located in coding exon 28 of the NF1 gene, results from an A to G substitution at nucleotide position 3752. The histidine at codon 1251 is replaced by arginine, an amino acid with highly similar properties. This amino acid position is highly conserved in available vertebrate species. In addition, this alteration is predicted to be deleterious by in silico analysis. Since supporting evidence is limited at this time, the clinical significance of this alteration remains unclear.